The following is an entry in ClinVar:

NM_138694.4(PKHD1):c.6333-2A>G

Gene: PKHD1 (PKHD1 ciliary IPT domain containing fibrocystin/polyductin; minus strand). Cytogenetic location: 6p12.2.
Variant type: single nucleotide variant.
Coding change: c.6333-2A>G on transcript NM_138694.4 (MANE Select); the canonical splice acceptor site of the intron before coding-DNA position 6333, A replaced by G.
Molecular consequence: splice acceptor variant.
Genome position (GRCh38, 1-based): chr6:51,911,958, T>C on the plus strand (A>G on the coding strand, the complement: PKHD1 is on the minus strand). VCF-style: chr6-51911958-T-C. GRCh37 (hg19) VCF-style: chr6-51776756-T-C.
Other names: c.6333-2A>G (NM_170724.3, NM_138694.3).
Identifiers: ClinVar variation 2677842 (VCV002677842.2), dbSNP rs2536669498, ClinGen allele CA364439047.

ClinVar aggregate classification (germline): Pathogenic/Likely pathogenic. Review status: criteria provided, multiple submitters, no conflicts (2 of 4 stars). 2 submissions from 2 submitters: Pathogenic (1); Likely pathogenic (1). Last evaluated 2024-12-27.

Conditions:
Autosomal recessive polycystic kidney disease (ARPKD). Also called: AR polycystic kidney disease. Identifiers: Orphanet 731, Orphanet 8378, MedGen C0085548, MeSH D017044, MONDO:0009889.
Polycystic kidney disease 4 (PKD4). Also called: POLYCYSTIC KIDNEY AND HEPATIC DISEASE 1; POLYCYSTIC KIDNEY DISEASE, INFANTILE, TYPE I; PKD3; POLYCYSTIC KIDNEY DISEASE 4 WITH OR WITHOUT POLYCYSTIC LIVER DISEASE; Autosomal Recessive Polycystic Kidney Disease – PKHD1. Identifiers: MedGen C4540575, MONDO:0033004, OMIM 263200.

Submissions (2):

Natera, Inc.
Classification: Likely pathogenic for Autosomal recessive polycystic kidney disease. Last evaluated: 2024-12-27. Review status: criteria provided, single submitter. Criteria: Natera Variant Classification Schema (03/2026). Collection method: clinical testing. Allele origin: germline.
Comment: The c.6333-2A>G variant in PKHD1 is a canonical splice acceptor site variant predicted to affect pre-mRNA splicing, which may result in an abnormal transcript and altered protein product. This variant is expected to result in nonsense mediated decay, truncation, or a dysfunctional protein product. This variant is rare in the general population with a frequency below the threshold expected for the associated phenotype(s). Given the available evidence, this variant is classified as Likely Pathogenic.

Baylor Genetics
Classification: Pathogenic for Polycystic kidney disease 4. Last evaluated: 2023-02-08. Review status: criteria provided, single submitter. Criteria: ACMG Guidelines, 2015. Collection method: clinical testing. Allele origin: unknown.